The following is an entry in ClinVar:

NM_001388492.1(HTT):c.1157C>T (p.Thr386Met)

Gene: HTT (huntingtin; plus strand). Cytogenetic location: 4p16.3.
Variant type: single nucleotide variant.
Coding change: c.1157C>T on transcript NM_001388492.1 (MANE Select); coding-DNA position 1157, C replaced by T.
Protein change: p.Thr386Met; replaces threonine 386 with methionine.
Molecular consequence: missense variant.
Genome position (GRCh38, 1-based): chr4:3,121,316, C>T. VCF-style: chr4-3121316-C-T. GRCh37 (hg19) VCF-style: chr4-3123043-C-T.
Other names: c.1163C>T, p.Thr388Met (NM_002111.8); short protein forms T388M, T386M.
Identifiers: ClinVar variation 1406094 (VCV001406094.6), dbSNP rs751024193, ClinGen allele CA2823450.
Genomic context (GRCh38, chr4:3,121,316, plus strand): 5'-AGCACCAAGACCACAATGTTGTGACCGGAGCCCTGGAGCTGTTGCAGCAGCTCTTCAGAA[C>T]GCCTCCACCCGAGCTTCTGCAAACCCTGACCGCAGTCGGGGGCATTGGGCAGCTCACCGC-3'
Protein context (NP_001375421.1, residues 376-396): ALELLQQLFR[Thr386Met]PPPELLQTLT

ClinVar aggregate classification (germline): Uncertain significance (1 of 4 stars; one submission).

Allele frequency attached by ClinVar (database versions not stated): gnomAD exomes below 0.00001 and 0.00001; TOPMed below 0.00001; ExAC 0.00001; gnomAD 0.00001.
gnomAD v4.1: 12 of 1,613,938 alleles (0.00074%); highest among the groups gnomAD compares: East Asian, 0.0022%; no homozygotes.

Submission:

Labcorp Genetics (formerly Invitae), Labcorp
Classification: Uncertain significance. Last evaluated: 2024-05-15. Review status: criteria provided, single submitter. Criteria: Invitae Variant Classification Sherloc (09022015). Collection method: clinical testing. Allele origin: germline.
Comment: This sequence change replaces threonine, which is neutral and polar, with methionine, which is neutral and non-polar, at codon 388 of the HTT protein (p.Thr388Met). This variant is present in population databases (rs751024193, gnomAD 0.006%). This variant has not been reported in the literature in individuals affected with HTT-related conditions. ClinVar contains an entry for this variant (Variation ID: 1406094). Experimental studies and prediction algorithms are not available or were not evaluated, and the functional significance of this variant is currently unknown. In summary, the available evidence is currently insufficient to determine the role of this variant in disease. Therefore, it has been classified as a Variant of Uncertain Significance.